The following is an entry in ClinVar:

ClinVar aggregate classification (germline): Uncertain significance (1 of 4 stars; one submission).

Allele frequency attached by ClinVar (database versions not stated): TOPMed below 0.00001; gnomAD exomes 0.00001; ExAC 0.00002.
gnomAD v4.1: 10 of 1,613,492 alleles (0.00062%); highest among the groups gnomAD compares: South Asian, 0.0033%; no homozygotes.

Submission:

Labcorp Genetics (formerly Invitae), Labcorp
Classification: Uncertain significance. Last evaluated: 2023-09-12. Review status: criteria provided, single submitter. Criteria: Invitae Variant Classification Sherloc (09022015). Collection method: clinical testing. Allele origin: germline.
Comment: In summary, the available evidence is currently insufficient to determine the role of this variant in disease. Therefore, it has been classified as a Variant of Uncertain Significance. Advanced modeling of protein sequence and biophysical properties (such as structural, functional, and spatial information, amino acid conservation, physicochemical variation, residue mobility, and thermodynamic stability) performed at Invitae indicates that this missense variant is expected to disrupt NCSTN protein function. ClinVar contains an entry for this variant (Variation ID: 1524308). This variant has not been reported in the literature in individuals affected with NCSTN-related conditions. This variant is present in population databases (rs750149185, gnomAD 0.01%). This sequence change replaces histidine, which is basic and polar, with arginine, which is basic and polar, at codon 58 of the NCSTN protein (p.His58Arg).

NM_015331.3(NCSTN):c.173A>G (p.His58Arg)

Gene: NCSTN (nicastrin; plus strand). Cytogenetic location: 1q23.2.
Variant type: single nucleotide variant.
Coding change: c.173A>G on transcript NM_015331.3 (MANE Select); coding-DNA position 173, A replaced by G.
Protein change: p.His58Arg; replaces histidine 58 with arginine.
Molecular consequence: missense variant.
Genome position (GRCh38, 1-based): chr1:160,344,809, A>G. VCF-style: chr1-160344809-A-G. GRCh37 (hg19) VCF-style: chr1-160314599-A-G.
Other names: c.113A>G, p.His38Arg (NM_001290184.2); c.173A>G, p.His58Arg (NM_001290186.2, NM_001349729.2); short protein forms H38R, H58R.
Identifiers: ClinVar variation 1524308 (VCV001524308.8), dbSNP rs750149185, ClinGen allele CA1198618.
Genomic context (GRCh38, chr1:160,344,809, plus strand): 5'-GGAAGATATATATCCCCTTAAATAAAACAGCTCCCTGTGTTCGCCTGCTCAACGCCACTC[A>G]TCAGATTGGCTGCCAGTGTGAGTTGAGATGGATTCATGTTTGTGGACATTGATATTTGTC-3'
Protein context (NP_056146.1, residues 48-68): APCVRLLNAT[His58Arg]QIGCQSSISG